The following is an entry in ClinVar:

ClinVar aggregate classification (germline): Uncertain significance. Review status: criteria provided, multiple submitters, no conflicts (2 of 4 stars). 2 submissions from 2 submitters: Uncertain significance (2). Last evaluated 2022-04-18.

Conditions:
Cone-rod dystrophy and hearing loss 2 (CRDHL2). Identifiers: MedGen C5193051, MONDO:0020780, OMIM 618358.

Allele frequency attached by ClinVar (database versions not stated): TOPMed 0.00001; gnomAD 0.00002; ExAC 0.00003.
gnomAD v4.1: 15 of 1,612,820 alleles (0.00093%); highest among the groups gnomAD compares: Admixed American, 0.0067%; no homozygotes.

Submissions (2):

Labcorp Genetics (formerly Invitae), Labcorp
Classification: Uncertain significance. Last evaluated: 2022-04-18. Review status: criteria provided, single submitter. Criteria: Invitae Variant Classification Sherloc (09022015). Collection method: clinical testing. Allele origin: germline.
Comment: This sequence change replaces arginine, which is basic and polar, with glutamine, which is neutral and polar, at codon 476 of the CEP250 protein (p.Arg476Gln). This variant is present in population databases (rs755424802, gnomAD 0.006%). This variant has not been reported in the literature in individuals affected with CEP250-related conditions. Algorithms developed to predict the effect of missense changes on protein structure and function output the following: SIFT: "Not Available"; PolyPhen-2: "Benign"; Align-GVGD: "Not Available". The glutamine amino acid residue is found in multiple mammalian species, which suggests that this missense change does not adversely affect protein function. In summary, the available evidence is currently insufficient to determine the role of this variant in disease. Therefore, it has been classified as a Variant of Uncertain Significance.

Department of Pathology and Laboratory Medicine, Sinai Health System
Classification: Uncertain significance for cone-rod dystrophy and hearing loss 2. Last evaluated: 2021-07-30. Review status: criteria provided, single submitter. Criteria: ACMG Guidelines, 2015. Collection method: research. Allele origin: germline.

NM_007186.6(CEP250):c.1427G>A (p.Arg476Gln)

Genes: CEP250 (centrosomal protein 250; plus strand), CEP250-AS1 (CEP250 antisense RNA 1; minus strand). Cytogenetic location: 20q11.22.
Variant type: single nucleotide variant.
Coding change: c.1427G>A on transcript NM_007186.6 (MANE Select); coding-DNA position 1427, G replaced by A.
Protein change: p.Arg476Gln; replaces arginine 476 with glutamine.
Molecular consequence: missense variant. On other transcripts: 5 prime UTR variant (1).
Genome position (GRCh38, 1-based): chr20:35,473,908, G>A. VCF-style: chr20-35473908-G-A. GRCh37 (hg19) VCF-style: chr20-34061733-G-A.
Other names: c.-473G>A (NM_001318219.1); short protein forms R476Q.
Identifiers: ClinVar variation 1924247 (VCV001924247.3), dbSNP rs755424802, ClinGen allele CA9832929.
Genomic context (GRCh38, chr20:35,473,908, plus strand): 5'-ATCTCTGATTCCCTTCTTCCAGGGAGCGAGAGCTGCTGCAGAAGGCCAGGGAAGAGCTGC[G>A]GCAGCAGCTGGAGGTGCTAGAGCAGGAGGCATGGCGCCTGCGAAGGGTAAATGTGGAGCT-3'
Protein context (NP_009117.2, residues 466-486): ELLQKAREEL[Arg476Gln]QQLEVLEQEA